The following is an entry in ClinVar:

ClinVar aggregate classification (germline): Likely benign. Review status: criteria provided, multiple submitters, no conflicts (2 of 4 stars). 5 submissions from 5 submitters: Likely benign (5). Last evaluated 2025-01-20.

Conditions:
Hereditary cancer-predisposing syndrome. Also called: Neoplastic Syndromes, Hereditary; Hereditary neoplastic syndrome; Hereditary Cancer Syndrome; Tumor predisposition. Identifiers: Orphanet 140162, MedGen C0027672, MeSH D009386, MONDO:0015356.
POLD1-related polyposis and colorectal cancer syndrome (CRCS10). Also called: Colorectal cancer, susceptibility to, 10; Colorectal cancer 10; COLORECTAL CANCER, SUSCEPTIBILITY TO, ON CHROMOSOME 19q. Identifiers: Orphanet 220460, MedGen C2675481, MONDO:0012953, OMIM 612591.
Immunodeficiency 120. Identifiers: MedGen C5935622, MONDO:0970994, OMIM 620836.
Mandibular hypoplasia-deafness-progeroid syndrome. Also called: Mandibular hypoplasia, deafness, progeroid features, and lipodystrophy syndrome. Identifiers: Orphanet 363649, MedGen C3715192, MONDO:0014157, OMIM 615381.

Allele frequency attached by ClinVar (database versions not stated): gnomAD exomes 0.00004 and 0.00001; ExAC 0.00001; TOPMed 0.00002; gnomAD 0.00003.
gnomAD v4.1: 60 of 1,611,024 alleles (0.0037%); highest among the groups gnomAD compares: Non-Finnish European, 0.0047%; no homozygotes.

Submissions (5):

Labcorp Genetics (formerly Invitae), Labcorp
Classification: Likely benign for POLD1-related polyposis and colorectal cancer syndrome. Last evaluated: 2025-01-20. Review status: criteria provided, single submitter. Criteria: Invitae Variant Classification Sherloc (09022015). Collection method: clinical testing. Allele origin: germline.

KCCC/NGS Laboratory, Kuwait Cancer Control Center
Classification: Likely benign for POLD1-related polyposis and colorectal cancer syndrome. Last evaluated: 2023-07-07. Review status: criteria provided, single submitter. Criteria: ACMG Guidelines, 2015. Collection method: clinical testing. Allele origin: germline. Affected: yes.

Department of Pathology and Laboratory Medicine, Sinai Health System
Classification: Likely benign for POLD1-related polyposis and colorectal cancer syndrome; Mandibular hypoplasia-deafness-progeroid syndrome; Immunodeficiency 120. Last evaluated: 2022-12-08. Review status: criteria provided, single submitter. Criteria: ACMG Guidelines, 2015. Collection method: clinical testing. Allele origin: germline. Affected: yes.

GeneDx
Classification: Likely benign. Last evaluated: 2016-09-06. Review status: criteria provided, single submitter. Criteria: GeneDx Variant Classification (06012015). Collection method: clinical testing. Allele origin: germline. Affected: yes.
Comment: This variant is considered likely benign or benign based on one or more of the following criteria: it is a conservative change, it occurs at a poorly conserved position in the protein, it is predicted to be benign by multiple in silico algorithms, and/or has population frequency not consistent with disease.

Ambry Genetics
Classification: Likely benign for Hereditary cancer-predisposing syndrome. Last evaluated: 2015-07-01. Review status: criteria provided, single submitter. Criteria: Ambry Variant Classification Scheme 2023. Collection method: clinical testing. Allele origin: germline.

NM_002691.4(POLD1):c.744C>T (p.Val248=)

Gene: POLD1 (DNA polymerase delta 1, catalytic subunit; plus strand). Cytogenetic location: 19q13.33.
Variant type: single nucleotide variant.
Coding change: c.744C>T on transcript NM_002691.4 (MANE Select); coding-DNA position 744, C replaced by T.
Protein change: p.Val248=; no amino-acid change (valine 248 retained).
Molecular consequence: synonymous variant. On other transcripts: non-coding transcript variant (1).
Genome position (GRCh38, 1-based): chr19:50,402,359, C>T. VCF-style: chr19-50402359-C-T. GRCh37 (hg19) VCF-style: chr19-50905616-C-T.
Other names: c.744C>T, p.Val248= (NM_001256849.1, NM_001308632.1).
Identifiers: ClinVar variation 382678 (VCV000382678.16), dbSNP rs746475325, ClinGen allele CA9595875.